The following is an entry in ClinVar:

ClinVar aggregate classification (germline): Pathogenic. Review status: reviewed by expert panel (3 of 4 stars). 6 submissions from 6 submitters: Pathogenic (1). 5 of the submissions do not count toward it. Last evaluated 2016-09-08.

Conditions:
Hereditary cancer-predisposing syndrome. Also called: Tumor predisposition; Neoplastic Syndromes, Hereditary; Hereditary neoplastic syndrome; Hereditary Cancer Syndrome. Identifiers: Orphanet 140162, MedGen C0027672, MeSH D009386, MONDO:0015356.
Hereditary breast ovarian cancer syndrome. Also called: Hereditary breast and ovarian cancer; Hereditary breast and ovarian cancer syndrome (HBOC); Hereditary breast and/or ovarian cancer syndrome; Breast and ovarian cancer; Hereditary breast and ovarian cancer syndrome; BRCA1- and BRCA2-Associated Hereditary Breast and Ovarian Cancer. Identifiers: Orphanet 145, MedGen C0677776, MeSH D061325, MONDO:0003582. Disease mechanism: loss of function.
Breast-ovarian cancer, familial, susceptibility to, 2 (BROVCA2). Also called: BRCA2 Hereditary Breast and Ovarian Cancer. Identifiers: Orphanet 145, MedGen C2675520, MONDO:0012933, OMIM 612555. Disease mechanism: loss of function.

Submissions (6):

Evidence-based Network for the Interpretation of Germline Mutant Alleles (ENIGMA)
Classification: Pathogenic for Breast-ovarian cancer, familial, susceptibility to, 2. Last evaluated: 2016-09-08. Review status: reviewed by expert panel. Criteria: ENIGMA BRCA1/2 Classification Criteria (2015). Collection method: curation. Allele origin: germline.
Comment: Variant allele predicted to encode a truncated non-functional protein.

Molecular Diagnostics Laboratory, Catalan Institute of Oncology
Classification: Pathogenic for Hereditary cancer-predisposing syndrome. Last evaluated: 2024-10-16. Review status: criteria provided, single submitter. Criteria: ClinGen BRCA1BRCA2 ACMG Specifications BRCA2 V1.0.0. Collection method: clinical testing. Allele origin: germline. Not counted in ClinVar's aggregate classification.
Comment: PVS1, PM2_Supporting, PM5_PTC_Strong c.7963C>T, located in exon 17 of the BRCA2 gene, is a nonsense variant expected to result in loss of function by premature protein truncation and nonsense-mediated mRNA decay (PVS1). It is not present in the population database gnomAD v2.1.1, non-cancer dataset (PM2_supporting). This variant has been reported in the ClinVar database (4x pathogenic), in the LOVD (2x pathogenic) and in BRCA Exchange database (pathogenic). This variant yield a protein termination codon (PTC) in an exon where a different proven pathogenic PTC variant has been seen before (PM5_PTC_Strong). Based on currently available information, the variant c.7963C>T should be considered a pathogenic variant, according to ClinGen ENIGMA BRCA1 and BRCA2 Expert Panel Specifications to the ACMG/AMP Variant Interpretation Guidelines for BRCA2 Version 1.1.0.

Labcorp Genetics (formerly Invitae), Labcorp
Classification: Pathogenic for Hereditary breast ovarian cancer syndrome. Last evaluated: 2023-11-06. Review status: criteria provided, single submitter. Criteria: Invitae Variant Classification Sherloc (09022015). Collection method: clinical testing. Allele origin: germline. Not counted in ClinVar's aggregate classification.
Comment: This sequence change creates a premature translational stop signal (p.Gln2655*) in the BRCA2 gene. It is expected to result in an absent or disrupted protein product. Loss-of-function variants in BRCA2 are known to be pathogenic (PMID: 20104584). This variant is not present in population databases (gnomAD no frequency). This premature translational stop signal has been observed in individual(s) with breast or ovarian cancer (PMID: 18821011). ClinVar contains an entry for this variant (Variation ID: 38128). Algorithms developed to predict the effect of sequence changes on RNA splicing suggest that this variant may disrupt the consensus splice site. For these reasons, this variant has been classified as Pathogenic.

Color Diagnostics, LLC DBA Color Health
Classification: Pathogenic for Hereditary cancer-predisposing syndrome. Last evaluated: 2019-11-27. Review status: criteria provided, single submitter. Criteria: ACMG Guidelines, 2015. Collection method: clinical testing. Allele origin: germline. Not counted in ClinVar's aggregate classification.
Comment: This variant changes 1 nucleotide in exon 17 of the BRCA2 gene, creating a premature translation stop signal. This variant is expected to result in an absent or non-functional protein product. Splice site prediction tools suggest that this variant may not impact RNA splicing. To our knowledge, functional studies have not been performed for this variant. This variant has been reported in individuals affected with hereditary breast/ovarian cancer in the literature (PMID 18821011, 24312913, 29387975). This variant has not been identified in the general population by the Genome Aggregation Database (gnomAD). Loss of BRCA2 function is a known mechanism of disease. Based on the available evidence, this variant is classified as Pathogenic.

Consortium of Investigators of Modifiers of BRCA1/2 (CIMBA), c/o University of Cambridge
Classification: Pathogenic for Breast-ovarian cancer, familial, susceptibility to, 2. Last evaluated: 2015-10-02. Review status: criteria provided, single submitter. Criteria: CIMBA Mutation Classification guidelines May 2016. Collection method: clinical testing. Allele origin: germline. Not counted in ClinVar's aggregate classification.

Sharing Clinical Reports Project (SCRP)
Classification: Pathogenic for Breast-ovarian cancer, familial 2. Last evaluated: 2009-08-22. Review status: no assertion criteria provided. Collection method: clinical testing. Allele origin: germline. Not counted in ClinVar's aggregate classification.

Literature cited by the submitters: PubMed 20104584 (cited by Labcorp Genetics (formerly Invitae), Labcorp); PubMed 18821011 (cited by Labcorp Genetics (formerly Invitae), Labcorp).

NM_000059.4(BRCA2):c.7963C>T (p.Gln2655Ter)

Gene: BRCA2 (BRCA2 DNA repair associated; plus strand). Cytogenetic location: 13q13.1.
Variant type: single nucleotide variant.
Coding change: c.7963C>T on transcript NM_000059.4 (MANE Select); coding-DNA position 7963, C replaced by T.
Protein change: p.Gln2655Ter; replaces glutamine 2655 with a stop codon.
Molecular consequence: nonsense.
Genome position (GRCh38, 1-based): chr13:32,362,680, C>T. VCF-style: chr13-32362680-C-T. GRCh37 (hg19) VCF-style: chr13-32936817-C-T.
Other names: 8191C>T; short protein forms Q2655*.
Identifiers: ClinVar variation 38128 (VCV000038128.12), dbSNP rs397507395, ClinGen allele CA025356.